The following is an entry in ClinVar:

ClinVar aggregate classification (germline): Pathogenic. Review status: criteria provided, multiple submitters, no conflicts (2 of 4 stars). 4 submissions from 4 submitters: Pathogenic (2). 2 of the submissions do not count toward it. Last evaluated 2025-10-30.

Conditions:
Warburg micro syndrome 1 (WARBM1). Identifiers: Orphanet 2510, MedGen C1838625, MONDO:0010822, OMIM 600118.
Martsolf syndrome 2. Identifiers: MedGen C5543626, MONDO:0030376, OMIM 619420.

Allele frequency attached by ClinVar (database versions not stated): gnomAD exomes below 0.00001.
gnomAD v4.1: 1 of 1,608,368 alleles (0.000062%); highest among the groups gnomAD compares: Admixed American, 0.0017%; no homozygotes.

Submissions (4):

3billion
Classification: Pathogenic for Warburg micro syndrome 1. Last evaluated: 2025-10-30. Review status: criteria provided, single submitter. Criteria: ACMG Guidelines, 2015. Collection method: clinical testing. Allele origin: germline. Affected: yes.
Comment: The variant is observed at an extremely low frequency in the gnomAD v4.1.0 dataset (total allele frequency: <0.001%). Predicted Consequence/Location: Canonical splice site: predicted to alter splicing and result in a loss or disruption of normal protein function. Multiple pathogenic loss-of-function variants are reported downstream of the variant. Functional studies provide moderate evidence of the variant having a damaging effect on the gene or gene product (PMID: 30730599). The variant has been reported at least twice as pathogenic without evidence for the classification (ClinVar ID: VCV001177055 /PMID: 30730599). Therefore, this variant is classified as Pathogenic according to the recommendation of ACMG/AMP guideline.

Labcorp Genetics (formerly Invitae), Labcorp
Classification: Pathogenic. Last evaluated: 2023-06-24. Review status: criteria provided, single submitter. Criteria: Invitae Variant Classification Sherloc (09022015). Collection method: clinical testing. Allele origin: germline.
Comment: For these reasons, this variant has been classified as Pathogenic. Studies have shown that disruption of this splice site results in skipping of exon 23 and introduces a new termination codon (PMID: 30730599). However the mRNA is not expected to undergo nonsense-mediated decay. Studies have shown that disruption of this splice site alters RAB3GAP1 gene expression (PMID: 30730599). ClinVar contains an entry for this variant (Variation ID: 1177055). Disruption of this splice site has been observed in individuals with RAB3GAP1-related conditions (PMID: 30730599, 33306828). This variant is not present in population databases (gnomAD no frequency). This sequence change affects an acceptor splice site in intron 22 of the RAB3GAP1 gene. RNA analysis indicates that disruption of this splice site induces altered splicing and likely disrupts the C-terminus of the protein.

Clinical Genetics Laboratory, University Hospital Schleswig-Holstein
Classification: Pathogenic for Martsolf syndrome 2. Last evaluated: 2022-06-02. Review status: no assertion criteria provided. Collection method: clinical testing. Allele origin: germline. Affected: yes. Not counted in ClinVar's aggregate classification.

OMIM
Classification: Pathogenic for MARTSOLF SYNDROME 2. Last evaluated: 2021-07-08. Review status: no assertion criteria provided. Collection method: literature only. Allele origin: germline. Not counted in ClinVar's aggregate classification.

Literature cited by the submitters: PubMed 30730599 (cited by 3 submitters); PubMed 33306828 (cited by Labcorp Genetics (formerly Invitae), Labcorp).

NM_012233.3(RAB3GAP1):c.2607-1G>C

Gene: RAB3GAP1 (RAB3 GTPase activating protein catalytic subunit 1; plus strand). Cytogenetic location: 2q21.3.
Variant type: single nucleotide variant.
Coding change: c.2607-1G>C on transcript NM_012233.3 (MANE Select); the canonical splice acceptor site of the intron before coding-DNA position 2607, G replaced by C.
Molecular consequence: splice acceptor variant.
Genome position (GRCh38, 1-based): chr2:135,164,593, G>C. VCF-style: chr2-135164593-G-C. GRCh37 (hg19) VCF-style: chr2-135922163-G-C.
Other names: IVS22AS, G-C, -1; c.2607-1G>C (NM_001172435.2).
Identifiers: ClinVar variation 1177055 (VCV001177055.8), dbSNP rs2105001159, ClinGen allele CA348586492.